The following is an entry in ClinVar:

ClinVar aggregate classification (germline): Uncertain significance (1 of 4 stars; one submission).

Conditions:
Niemann-Pick disease, type C1. Also called: NIEMANN-PICK DISEASE, VARIANT TYPE C1; NEUROVISCERAL STORAGE DISEASE WITH VERTICAL SUPRANUCLEAR OPHTHALMOPLEGIA; NIEMANN-PICK DISEASE WITH CHOLESTEROL ESTERIFICATION BLOCK; NIEMANN-PICK DISEASE WITHOUT SPHINGOMYELINASE DEFICIENCY; NIEMANN-PICK DISEASE, CHRONIC NEURONOPATHIC FORM. Identifiers: Orphanet 646, MedGen C3179455, MONDO:0009757, OMIM 257220.

Submission:

Labcorp Genetics (formerly Invitae), Labcorp
Classification: Uncertain significance for Niemann-Pick disease, type C1. Last evaluated: 2022-07-23. Review status: criteria provided, single submitter. Criteria: Invitae Variant Classification Sherloc (09022015). Collection method: clinical testing. Allele origin: germline.
Comment: In summary, the available evidence is currently insufficient to determine the role of this variant in disease. Therefore, it has been classified as a Variant of Uncertain Significance. This sequence change replaces lysine, which is basic and polar, with glutamic acid, which is acidic and polar, at codon 499 of the NPC1 protein (p.Lys499Glu). This variant is not present in population databases (gnomAD no frequency). This variant has not been reported in the literature in individuals affected with NPC1-related conditions. ClinVar contains an entry for this variant (Variation ID: 1510784). Advanced modeling of protein sequence and biophysical properties (such as structural, functional, and spatial information, amino acid conservation, physicochemical variation, residue mobility, and thermodynamic stability) performed at Invitae indicates that this missense variant is not expected to disrupt NPC1 protein function.

NM_000271.5(NPC1):c.1495A>G (p.Lys499Glu)

Gene: NPC1 (NPC intracellular cholesterol transporter 1; minus strand). Cytogenetic location: 18q11.2.
Variant type: single nucleotide variant.
Coding change: c.1495A>G on transcript NM_000271.5 (MANE Select); coding-DNA position 1495, A replaced by G.
Protein change: p.Lys499Glu; replaces lysine 499 with glutamic acid.
Molecular consequence: missense variant.
Genome position (GRCh38, 1-based): chr18:23,554,816, T>C on the plus strand (A>G on the coding strand, the complement: NPC1 is on the minus strand). VCF-style: chr18-23554816-T-C. GRCh37 (hg19) VCF-style: chr18-21134780-T-C.
Other names: short protein forms K499E.
Identifiers: ClinVar variation 1510784 (VCV001510784.6), dbSNP rs2145447268, ClinGen allele CA401775542.
Genomic context (GRCh38, chr18:23,554,816, plus strand): 5'-ACCGTACGCAGTACAGAAAGTGCGTGTGGTAATCGGCATACACAAAGAAGTCGTCCCCTT[T>C]CTTGTGGTCCAGCACGGAATGGCTGTTCTGGAAGTAATTTAACACACTCAAAATGGTGCA-3'
Protein context (NP_000262.2, residues 489-509): QNSHSVLDHK[Lys499Glu]GDDFFVYADY